The following is an entry in ClinVar:

NM_000095.3(COMP):c.1828dup (p.Tyr610fs)

Gene: COMP (cartilage oligomeric matrix protein; minus strand). Cytogenetic location: 19p13.11.
Variant type: Duplication.
Coding change: c.1828dup on transcript NM_000095.3 (MANE Select); coding-DNA position 1828, one base duplicated (T; older notation c.1828dupT).
Protein change: p.Tyr610fs; shifts the reading frame from tyrosine 610.
Molecular consequence: frameshift variant.
Genome position (GRCh38, 1-based): chr19:18,784,982, A duplicated on the plus strand (T on the coding strand, the reverse complement: COMP is on the minus strand). VCF-style (leftmost placement, unchanged base first): chr19-18784981-T-TA. GRCh37 (hg19) VCF-style: chr19-18895791-T-TA.
Other names: short protein forms Y610fs.
Identifiers: ClinVar variation 2821809 (VCV002821809.3), dbSNP rs2512845577, ClinGen allele CA2739276625.
Genomic context (GRCh38, chr19:18,784,981, plus strand): 5'-ACAGCACGGAAGGGGTTCGCCTGCCAATACGTTTGCTCCATCTGCTTCCACATGACCACG[T>TA]AGAAGCTGGAGCTGTCCTGGTAGCCAAAGATGAAGCCCGCATAGTCGTCATCCGTGACCG-3'

ClinVar aggregate classification (germline): Uncertain significance (1 of 4 stars; one submission).

Submission:

Labcorp Genetics (formerly Invitae), Labcorp
Classification: Uncertain significance. Last evaluated: 2022-12-17. Review status: criteria provided, single submitter. Criteria: Invitae Variant Classification Sherloc (09022015). Collection method: clinical testing. Allele origin: germline.
Comment: This variant is not present in population databases (gnomAD no frequency). This sequence change creates a premature translational stop signal (p.Tyr610Leufs*92) in the COMP gene. It is expected to result in an absent or disrupted protein product. However, the current clinical and genetic evidence is not sufficient to establish whether loss-of-function variants in COMP cause disease. This variant has not been reported in the literature in individuals affected with COMP-related conditions. In summary, the available evidence is currently insufficient to determine the role of this variant in disease. Therefore, it has been classified as a Variant of Uncertain Significance.